The following is an entry in ClinVar:

ClinVar aggregate classification (germline): Uncertain significance (1 of 4 stars; one submission).

Submission:

GeneDx
Classification: Uncertain significance. Last evaluated: 2022-05-16. Review status: criteria provided, single submitter. Criteria: GeneDx Variant Classification Process June 2021. Collection method: clinical testing. Allele origin: germline. Affected: yes.
Comment: In-frame insertion of 3 amino acids in a non-repeat region; In silico analysis supports a deleterious effect on protein structure/function; Has not been previously published as pathogenic or benign to our knowledge

NM_001257180.2(SLC20A2):c.1419GGAGAAGGA[3] (p.Lys478_Asp479insGluGluLys)

Gene: SLC20A2 (solute carrier family 20 member 2; minus strand). Cytogenetic location: 8p11.21.
Variant type: Microsatellite.
Coding change: c.1419GGAGAAGGA[3] on transcript NM_001257180.2 (MANE Select); three copies in a row of the 9-base unit GGAGAAGGA starting at c.1419; the reference has two copies in a row; one copy, 9 bases duplicated.
Protein change: p.Lys478_Asp479insGluGluLys.
Molecular consequence: inframe insertion.
Genome position (GRCh38, 1-based): chr8:42,437,076-42,437,084, TCCTTCTCC duplicated on the plus strand (GGAGAAGGA on the coding strand, the reverse complement: SLC20A2 is on the minus strand); duplicating any 9 consecutive bases within chr8:42,437,076-42,437,097 gives the same sequence; the position shown is the placement nearest the transcript's 3' end. VCF-style (leftmost placement, unchanged base first): chr8-42437075-G-GTCCTTCTCC. GRCh37 (hg19) VCF-style: chr8-42294593-G-GTCCTTCTCC.
Other names: c.1419GGAGAAGGA[3], p.Lys478_Asp479insGluGluLys (NM_001257181.2, NM_006749.5).
Identifiers: ClinVar variation 1800679 (VCV001800679.1), dbSNP rs746548440, ClinGen allele CA4733316.